The following is an entry in ClinVar:

ClinVar aggregate classification (germline): Conflicting classifications of pathogenicity. Review status: criteria provided, conflicting classifications (1 of 4 stars). 4 submissions from 4 submitters: Uncertain significance (2); Likely benign (2). Last evaluated 2023-03-23.

Conditions:
Hereditary cancer-predisposing syndrome. Also called: Neoplastic Syndromes, Hereditary; Tumor predisposition; Hereditary neoplastic syndrome; Hereditary Cancer Syndrome. Identifiers: Orphanet 140162, MedGen C0027672, MeSH D009386, MONDO:0015356.
Hereditary breast ovarian cancer syndrome. Also called: Hereditary breast and ovarian cancer syndrome; Hereditary breast and ovarian cancer syndrome (HBOC); BRCA1- and BRCA2-Associated Hereditary Breast and Ovarian Cancer; Hereditary breast and/or ovarian cancer syndrome; Hereditary breast and ovarian cancer; Breast and ovarian cancer. Identifiers: Orphanet 145, MedGen C0677776, MeSH D061325, MONDO:0003582. Disease mechanism: loss of function.

Submissions (4):

University of Washington Department of Laboratory Medicine, University of Washington
Classification: Likely benign for Hereditary cancer-predisposing syndrome. Last evaluated: 2023-03-23. Review status: criteria provided, single submitter. Criteria: Dines et al. (Genet Med. 2020). Collection method: curation. Allele origin: germline.
Comment: Missense variant in a coldspot region where missense variants are very unlikely to be pathogenic (PMID:31911673).

BRCA1 coldspot (exon 11 using historical exon numbering). Reclassification based on statistical prior probability

Labcorp Genetics (formerly Invitae), Labcorp
Classification: Uncertain significance for Hereditary breast ovarian cancer syndrome. Last evaluated: 2022-09-01. Review status: criteria provided, single submitter. Criteria: Invitae Variant Classification Sherloc (09022015). Collection method: clinical testing. Allele origin: germline.
Comment: This variant is not present in population databases (gnomAD no frequency). In summary, the available evidence is currently insufficient to determine the role of this variant in disease. Therefore, it has been classified as a Variant of Uncertain Significance. Advanced modeling of protein sequence and biophysical properties (such as structural, functional, and spatial information, amino acid conservation, physicochemical variation, residue mobility, and thermodynamic stability) performed at Invitae indicates that this missense variant is not expected to disrupt BRCA1 protein function. ClinVar contains an entry for this variant (Variation ID: 578705). This variant has not been reported in the literature in individuals affected with BRCA1-related conditions. This sequence change replaces lysine, which is basic and polar, with glutamic acid, which is acidic and polar, at codon 556 of the BRCA1 protein (p.Lys556Glu).

Women's Health and Genetics/Laboratory Corporation of America, LabCorp
Classification: Uncertain significance. Last evaluated: 2021-01-15. Review status: criteria provided, single submitter. Criteria: LabCorp Variant Classification Summary - May 2015. Collection method: clinical testing. Allele origin: germline.
Comment: Variant summary: BRCA1 c.1666A>G (p.Lys556Glu) results in a conservative amino acid change in the encoded protein sequence. Five of five in-silico tools predict a benign effect of the variant on protein function. The variant was absent in 250846 control chromosomes (gnomAD). The available data on variant occurrences in the general population are insufficient to allow any conclusion about variant significance. To our knowledge, no occurrence of c.1666A>G in individuals affected with Hereditary Breast And Ovarian Cancer Syndrome and no experimental evidence demonstrating its impact on protein function have been reported. A ClinVar submitter (evaluation after 2014) cites the variant as uncertain significance. Based on the evidence outlined above, the variant was classified as uncertain significance.

Ambry Genetics
Classification: Likely benign for Hereditary cancer-predisposing syndrome. Last evaluated: 2020-04-06. Review status: criteria provided, single submitter. Criteria: Ambry Variant Classification Scheme 2023. Collection method: clinical testing. Allele origin: germline.

NM_007294.4(BRCA1):c.1666A>G (p.Lys556Glu)

Gene: BRCA1 (BRCA1 DNA repair associated; minus strand). Cytogenetic location: 17q21.31.
Variant type: single nucleotide variant.
Coding change: c.1666A>G on transcript NM_007294.4 (MANE Select); coding-DNA position 1666, A replaced by G.
Protein change: p.Lys556Glu; replaces lysine 556 with glutamic acid.
Molecular consequence: missense variant. On other transcripts: intron variant (137).
Genome position (GRCh38, 1-based): chr17:43,093,865, T>C on the plus strand (A>G on the coding strand, the complement: BRCA1 is on the minus strand). VCF-style: chr17-43093865-T-C. GRCh37 (hg19) VCF-style: chr17-41245882-T-C.
Other names: c.1522A>G, p.Lys508Glu (NM_001407743.1, NM_001407744.1, NM_001407745.1 and 20 more transcripts); c.1525A>G, p.Lys509Glu (NM_001407750.1, NM_001407751.1, NM_001407752.1 and 29 more transcripts); c.1585A>G, p.Lys529Glu (NM_001407662.1, NM_001407659.1, NM_001407660.1 and 1 more transcripts); c.1588A>G, p.Lys530Glu (NM_001407663.1, NM_001407653.1, NM_001407654.1 and 4 more transcripts); c.1543A>G, p.Lys515Glu (NM_001407664.1, NM_001407665.1, NM_001407666.1 and 19 more transcripts); c.1540A>G, p.Lys514Glu (NM_001407670.1, NM_001407671.1, NM_001407672.1 and 11 more transcripts); c.1666A>G, p.Lys556Glu (NM_001407684.1, NM_001407854.1, NM_001407858.1 and 30 more transcripts); c.1453A>G, p.Lys485Glu (NM_001407853.1, NM_001407894.1, NM_001407895.1 and 9 more transcripts); and 40 more; short protein forms K556E, K509E, K388E, K486E, K489E, K515E, K529E, K553E.
Identifiers: ClinVar variation 578705 (VCV000578705.15), dbSNP rs587783041, ClinGen allele CA10598702.
Genomic context (GRCh38, chr17:43,093,865, plus strand): 5'-TTTCGAGTGATTCTATTGGGTTAGGATTTTTCTCATTCTGAATAGAATCACCTTTTGTTT[T>C]ATTCTCATGACCACTATTAGTAATATTCATCACTTGACCATTCTGCTCCGTTTGGTTAGT-3'
Protein context (NP_009225.1, residues 546-566): MNITNSGHEN[Lys556Glu]TKGDSIQNEK